The following is an entry in ClinVar:

NM_006031.6(PCNT):c.2581G>A (p.Ala861Thr)

Gene: PCNT (pericentrin; plus strand). Cytogenetic location: 21q22.3.
Variant type: single nucleotide variant.
Coding change: c.2581G>A on transcript NM_006031.6 (MANE Select); coding-DNA position 2581, G replaced by A.
Protein change: p.Ala861Thr; replaces alanine 861 with threonine.
Molecular consequence: missense variant.
Genome position (GRCh38, 1-based): chr21:46,363,906, G>A. VCF-style: chr21-46363906-G-A. GRCh37 (hg19) VCF-style: chr21-47783821-G-A.
Other names: c.2227G>A, p.Ala743Thr (NM_001315529.2); short protein forms A743T, A861T.
Identifiers: ClinVar variation 2527960 (VCV002527960.3), dbSNP rs377283848, ClinGen allele CA10079021.

ClinVar aggregate classification (germline): Uncertain significance. Review status: criteria provided, multiple submitters, no conflicts (2 of 4 stars). 2 submissions from 2 submitters: Uncertain significance (2). Last evaluated 2026-05-29.

Conditions:
Inborn genetic diseases. Identifiers: MedGen C0950123, MeSH D030342.
PCNT-related disorder. Also called: PCNT-related condition.

Allele frequency attached by ClinVar (database versions not stated): gnomAD 0.00004; ExAC 0.00005; ESP Exome Variant Server 0.00008.
gnomAD v4.1: 47 of 1,610,628 alleles (0.0029%); highest among the groups gnomAD compares: East Asian, 0.027%; no homozygotes.

Submissions (2):

PreventionGenetics, part of Exact Sciences
Classification: Uncertain significance for PCNT-related condition. Last evaluated: 2026-05-29. Review status: criteria provided, single submitter. Criteria: ACMG Guidelines, 2015. Collection method: clinical testing. Allele origin: germline.
Comment: The PCNT c.2581G>A variant is predicted to result in the amino acid substitution p.Ala861Thr. To our knowledge, this variant has not been reported in the literature. This variant is reported in 0.0073% of alleles in individuals of European (Non-Finnish) descent in gnomAD. At this time, the clinical significance of this variant is uncertain due to the absence of conclusive functional and genetic evidence.

Ambry Genetics
Classification: Uncertain significance for Inborn genetic diseases. Last evaluated: 2023-06-01. Review status: criteria provided, single submitter. Criteria: Ambry Variant Classification Scheme 2023. Collection method: clinical testing. Allele origin: germline.